The following is an entry in ClinVar:

NM_144773.4(PROKR2):c.1120A>G (p.Thr374Ala)

Gene: PROKR2 (prokineticin receptor 2; minus strand). Cytogenetic location: 20p12.3.
Variant type: single nucleotide variant.
Coding change: c.1120A>G on transcript NM_144773.4 (MANE Select); coding-DNA position 1120, A replaced by G.
Protein change: p.Thr374Ala; replaces threonine 374 with alanine.
Molecular consequence: missense variant.
Genome position (GRCh38, 1-based): chr20:5,302,075, T>C on the plus strand (A>G on the coding strand, the complement: PROKR2 is on the minus strand). VCF-style: chr20-5302075-T-C. GRCh37 (hg19) VCF-style: chr20-5282721-T-C.
Other names: short protein forms T374A.
Identifiers: ClinVar variation 1907206 (VCV001907206.5), dbSNP rs2515227703, ClinGen allele CA408166229.

ClinVar aggregate classification (germline): Uncertain significance (1 of 4 stars; one submission).

Submission:

Labcorp Genetics (formerly Invitae), Labcorp
Classification: Uncertain significance. Last evaluated: 2022-05-08. Review status: criteria provided, single submitter. Criteria: Invitae Variant Classification Sherloc (09022015). Collection method: clinical testing. Allele origin: germline.
Comment: Algorithms developed to predict the effect of missense changes on protein structure and function output the following: SIFT: "Tolerated"; PolyPhen-2: "Benign"; Align-GVGD: "Class C0". The alanine amino acid residue is found in multiple mammalian species, which suggests that this missense change does not adversely affect protein function. In summary, the available evidence is currently insufficient to determine the role of this variant in disease. Therefore, it has been classified as a Variant of Uncertain Significance. This variant has not been reported in the literature in individuals affected with PROKR2-related conditions. This sequence change replaces threonine, which is neutral and polar, with alanine, which is neutral and non-polar, at codon 374 of the PROKR2 protein (p.Thr374Ala). This variant is not present in population databases (gnomAD no frequency).